The following is an entry in ClinVar:

ClinVar aggregate classification (germline): Uncertain significance (1 of 4 stars; one submission).

Conditions:
Familial juvenile hyperuricemic nephropathy type 2 (ADTKD4). Also called: EARLY-ONSET HYPERURICEMIA, ANEMIA, AND PROGRESSIVE KIDNEY FAILURE; Autosomal Dominant Tubulointerstitial Kidney Disease – REN. Identifiers: Orphanet 217330, MedGen C2751310, MONDO:0013128, OMIM 613092.

Submission:

MVZ Medizinische Genetik Mainz
Classification: Uncertain significance for Familial juvenile hyperuricemic nephropathy type 2. Last evaluated: 2025-11-03. Review status: criteria provided, single submitter. Criteria: UK Practice Guidelines For Variant Classification V4 01 2020. Collection method: clinical testing. Allele origin: germline. Inheritance: Autosomal dominant inheritance. Affected: yes. Observed: 1 variant allele.
Comment: ACMG Criteria: PM1,PM2_SUP,PP3

NM_000537.4(REN):c.1084T>C (p.Cys362Arg)

Gene: REN (renin; minus strand). Cytogenetic location: 1q32.1.
Variant type: single nucleotide variant.
Coding change: c.1084T>C on transcript NM_000537.4 (MANE Select); coding-DNA position 1084, T replaced by C.
Protein change: p.Cys362Arg; replaces cysteine 362 with arginine.
Molecular consequence: missense variant.
Genome position (GRCh38, 1-based): chr1:204,155,153, A>G on the plus strand (T>C on the coding strand, the complement: REN is on the minus strand). VCF-style: chr1-204155153-A-G. GRCh37 (hg19) VCF-style: chr1-204124281-A-G.
Other names: short protein forms C362R.
Identifiers: ClinVar variation 4532238 (VCV004532238.1).
Genomic context (GRCh38, chr1:204,155,153, plus strand): 5'-CCAGGGCCCAGGTGGGTCCAGTGGGTGGCGGGATATCCATGGCGTGGATGGCCAGTGTGC[A>G]CAGCTTTTTACTACTGTAGGATTCCTGGCAGGAAGGGGGAGAGTTTCTCCATACCCAGCA-3'
Protein context (NP_000528.1, residues 352-372): FQESYSSKKL[Cys362Arg]TLAIHAMDIP